The following is an entry in ClinVar:

NM_005529.7(HSPG2):c.916G>A (p.Gly306Arg)

Gene: HSPG2 (heparan sulfate proteoglycan 2; minus strand). Cytogenetic location: 1p36.12.
Variant type: single nucleotide variant.
Coding change: c.916G>A on transcript NM_005529.7 (MANE Select); coding-DNA position 916, G replaced by A.
Protein change: p.Gly306Arg; replaces glycine 306 with arginine.
Molecular consequence: missense variant.
Genome position (GRCh38, 1-based): chr1:21,887,462, C>T on the plus strand (G>A on the coding strand, the complement: HSPG2 is on the minus strand). VCF-style: chr1-21887462-C-T. GRCh37 (hg19) VCF-style: chr1-22213955-C-T.
Other names: c.916G>A (NM_005529.5); c.916G>A, p.Gly306Arg (NM_001291860.2); short protein forms G306R.
Identifiers: ClinVar variation 1348182 (VCV001348182.12), dbSNP rs149899316, ClinGen allele CA673663.

ClinVar aggregate classification (germline): Uncertain significance. Review status: criteria provided, multiple submitters, no conflicts (2 of 4 stars). 3 submissions from 3 submitters: Uncertain significance (3). Last evaluated 2024-04-14.

Conditions:
Schwartz-Jampel syndrome type 1 (SJS1). Also called: MYOTONIC MYOPATHY, DWARFISM, CHONDRODYSTROPHY, AND OCULAR AND FACIAL ABNORMALITIES; CHONDRODYSTROPHIC MYOTONIA. Identifiers: MedGen C4551479, MONDO:0100435, OMIM 255800.
Inborn genetic diseases. Identifiers: MedGen C0950123, MeSH D030342.

Allele frequency attached by ClinVar (database versions not stated): gnomAD exomes 0.00003; ExAC 0.00004; gnomAD 0.00004; TOPMed 0.00006; ESP Exome Variant Server 0.00015.
gnomAD v4.1: 52 of 1,613,920 alleles (0.0032%); highest among the groups gnomAD compares: Middle Eastern, 0.016%; no homozygotes.

Submissions (3):

Labcorp Genetics (formerly Invitae), Labcorp
Classification: Uncertain significance. Last evaluated: 2024-04-14. Review status: criteria provided, single submitter. Criteria: Invitae Variant Classification Sherloc (09022015). Collection method: clinical testing. Allele origin: germline.
Comment: This sequence change replaces glycine, which is neutral and non-polar, with arginine, which is basic and polar, at codon 306 of the HSPG2 protein (p.Gly306Arg). This variant is present in population databases (rs149899316, gnomAD 0.03%). This variant has not been reported in the literature in individuals affected with HSPG2-related conditions. ClinVar contains an entry for this variant (Variation ID: 1348182). An algorithm developed to predict the effect of missense changes on protein structure and function (PolyPhen-2) suggests that this variant is likely to be disruptive. In summary, the available evidence is currently insufficient to determine the role of this variant in disease. Therefore, it has been classified as a Variant of Uncertain Significance.

Ambry Genetics
Classification: Uncertain significance for Inborn genetic diseases. Last evaluated: 2023-06-29. Review status: criteria provided, single submitter. Criteria: Ambry Variant Classification Scheme 2023. Collection method: clinical testing. Allele origin: germline.

Baylor Genetics
Classification: Uncertain significance for Schwartz-Jampel syndrome type 1. Last evaluated: 2022-03-04. Review status: criteria provided, single submitter. Criteria: ACMG Guidelines, 2015. Collection method: clinical testing. Allele origin: unknown.